The following is an entry in ClinVar:

NM_020457.3(THAP11):c.38A>G (p.Asn13Ser)

Genes: CENPT (centromere protein T; minus strand), THAP11 (THAP domain containing 11; plus strand). Cytogenetic location: 16q22.1.
Variant type: single nucleotide variant.
Coding change: c.38A>G on transcript NM_020457.3 (MANE Select); coding-DNA position 38, A replaced by G.
Protein change: p.Asn13Ser; replaces asparagine 13 with serine.
Molecular consequence: missense variant. On other transcripts: intron variant (1).
Genome position (GRCh38, 1-based): chr16:67,842,592, A>G. VCF-style: chr16-67842592-A-G. GRCh37 (hg19) VCF-style: chr16-67876495-A-G.
Other names: c.-492+4809T>C (NM_025082.4); short protein forms N13S.
Identifiers: ClinVar variation 1957942 (VCV001957942.9), dbSNP rs1314632393, ClinGen allele CA396395354.

ClinVar aggregate classification (germline): Uncertain significance. Review status: criteria provided, multiple submitters, no conflicts (2 of 4 stars). 3 submissions from 3 submitters: Uncertain significance (3). Last evaluated 2025-10-22.

Conditions:
Spinocerebellar ataxia 51. Identifiers: MedGen C5975394, MONDO:0975800, OMIM 620947.

Allele frequency attached by ClinVar (database versions not stated): gnomAD exomes below 0.00001; gnomAD 0.00001.
gnomAD v4.1: 3 of 1,546,736 alleles (0.00019%); highest among the groups gnomAD compares: Admixed American, 0.0039%; no homozygotes.

Submissions (3):

Ambry Genetics
Classification: Uncertain significance. Last evaluated: 2025-10-22. Review status: criteria provided, single submitter. Criteria: Ambry Variant Classification Scheme 2023. Collection method: clinical testing. Allele origin: germline.

3billion
Classification: Uncertain significance for Spinocerebellar ataxia 51. Last evaluated: 2025-04-28. Review status: criteria provided, single submitter. Criteria: ACMG Guidelines, 2015. Collection method: clinical testing. Allele origin: germline. Affected: yes.

Labcorp Genetics (formerly Invitae), Labcorp
Classification: Uncertain significance. Last evaluated: 2021-12-22. Review status: criteria provided, single submitter. Criteria: Invitae Variant Classification Sherloc (09022015). Collection method: clinical testing. Allele origin: germline.
Comment: This sequence change replaces asparagine, which is neutral and polar, with serine, which is neutral and polar, at codon 13 of the THAP11 protein (p.Asn13Ser). This variant is present in population databases (no rsID available, gnomAD 0.004%). This variant has not been reported in the literature in individuals affected with THAP11-related conditions. Algorithms developed to predict the effect of missense changes on protein structure and function are either unavailable or do not agree on the potential impact of this missense change (SIFT: "Tolerated"; PolyPhen-2: "Possibly Damaging"; Align-GVGD: "Class C0"). In summary, the available evidence is currently insufficient to determine the role of this variant in disease. Therefore, it has been classified as a Variant of Uncertain Significance.